The following is an entry in ClinVar:

NM_024426.6(WT1):c.753T>A (p.His251Gln)

Gene: WT1 (WT1 transcription factor; minus strand). Cytogenetic location: 11p13.
Variant type: single nucleotide variant.
Coding change: c.753T>A on transcript NM_024426.6 (MANE Select); coding-DNA position 753, T replaced by A.
Protein change: p.His251Gln; replaces histidine 251 with glutamine.
Molecular consequence: missense variant. On other transcripts: non-coding transcript variant (2), intron variant (2), 5 prime UTR variant (1).
Genome position (GRCh38, 1-based): chr11:32,428,528, A>T on the plus strand (T>A on the coding strand, the complement: WT1 is on the minus strand). VCF-style: chr11-32428528-A-T. GRCh37 (hg19) VCF-style: chr11-32450074-A-T.
Other names: c.662-470T>A (NM_001407050.1, NM_001407047.1); c.753T>A, p.His251Gln (NM_000378.6, NM_001407044.1, NM_001407045.1 and 4 more transcripts); c.102T>A, p.His34Gln (NM_001198551.2, NM_001198552.2); c.-10T>A (NM_001407051.1); c.534T>A, p.His178Gln (NM_001429031.1, NM_001429032.1, NM_001429033.1 and 1 more transcripts); short protein forms H178Q, H246Q, H251Q, H34Q.
Identifiers: ClinVar variation 5032059 (VCV005032059.1).
Genomic context (GRCh38, chr11:32,428,528, plus strand): 5'-AAGGACTCCACTTGGTTCCGCTCGCTTACCCAGCGAGCCCTGCTGGCCCATGGGATCCTC[A>T]TGCTTGAATGAGTGGTTGGGGAACTGCGCCGCATGGTGCGAGGGCGTGTGACCGTAGCTG-3'
Protein context (NP_077744.4, residues 241-261): AAQFPNHSFK[His251Gln]EDPMGQQGSL

ClinVar aggregate classification (germline): Uncertain significance (1 of 4 stars; one submission).

Conditions:
Inborn genetic diseases. Identifiers: MedGen C0950123, MeSH D030342.

Submission:

Ambry Genetics
Classification: Uncertain significance for Inborn genetic diseases. Last evaluated: 2026-08-08. Review status: criteria provided, single submitter. Criteria: Ambry Variant Classification Scheme 2023. Collection method: clinical testing. Allele origin: germline.
Comment: The p.H246Q variant (also known as c.738T>A), located in coding exon 2 of the WT1 gene, results from a T to A substitution at nucleotide position 738. The histidine at codon 246 is replaced by glutamine, an amino acid with highly similar properties. This amino acid position is conserved. In addition, this alteration is predicted to be deleterious by in silico analysis. Based on the available evidence, the clinical significance of this variant remains unclear.